The following is an entry in ClinVar:

ClinVar aggregate classification (germline): Conflicting classifications of pathogenicity. Review status: criteria provided, conflicting classifications (1 of 4 stars). 5 submissions from 5 submitters: Uncertain significance (1); Likely benign (4). Last evaluated 2025-10-19.

Conditions:
LARS2-related disorder. Also called: LARS2-related condition.

Allele frequency attached by ClinVar (database versions not stated): TOPMed 0.00001; gnomAD 0.00008; gnomAD exomes 0.00012; ExAC 0.00030; 1000 Genomes Project 30x 0.00062; 1000 Genomes Project 0.00080.
gnomAD v4.1: 198 of 1,613,112 alleles (0.012%); highest among the groups gnomAD compares: South Asian, 0.2%; 3 homozygotes.

Submissions (5):

Labcorp Genetics (formerly Invitae), Labcorp
Classification: Likely benign. Last evaluated: 2025-10-19. Review status: criteria provided, single submitter. Criteria: Invitae Variant Classification Sherloc (09022015). Collection method: clinical testing. Allele origin: germline.

GeneDx
Classification: Uncertain significance. Last evaluated: 2025-03-14. Review status: criteria provided, single submitter. Criteria: GeneDx Variant Classification Process June 2021. Collection method: clinical testing. Allele origin: germline. Affected: yes.
Comment: In silico analysis indicates that this missense variant does not alter protein structure/function; Has not been previously published as pathogenic or benign to our knowledge

Blueprint Genetics
Classification: Likely benign. Last evaluated: 2024-11-19. Review status: criteria provided, single submitter. Criteria: ACMG Guidelines, 2015. Collection method: clinical testing. Allele origin: germline.

PreventionGenetics, part of Exact Sciences
Classification: Likely benign for LARS2-related condition. Last evaluated: 2024-11-18. Review status: criteria provided, single submitter. Criteria: ACMG Guidelines, 2015. Collection method: clinical testing. Allele origin: germline.
Comment: This variant is classified as likely benign based on ACMG/AMP sequence variant interpretation guidelines (Richards et al. 2015 PMID: 25741868, with internal and published modifications).

CeGaT Center for Human Genetics Tuebingen
Classification: Likely benign. Last evaluated: 2024-04-01. Review status: criteria provided, single submitter. Criteria: CeGaT Center For Human Genetics Tuebingen Variant Classification Criteria Version 2. Collection method: clinical testing. Allele origin: germline. Affected: yes. Observed: 1 variant allele.
Comment: LARS2: BP4

NM_015340.4(LARS2):c.215C>T (p.Ser72Phe)

Gene: LARS2 (leucyl-tRNA synthetase 2, mitochondrial; plus strand). Cytogenetic location: 3p21.31.
Variant type: single nucleotide variant.
Coding change: c.215C>T on transcript NM_015340.4 (MANE Select); coding-DNA position 215, C replaced by T.
Protein change: p.Ser72Phe; replaces serine 72 with phenylalanine.
Molecular consequence: missense variant.
Genome position (GRCh38, 1-based): chr3:45,394,668, C>T. VCF-style: chr3-45394668-C-T. GRCh37 (hg19) VCF-style: chr3-45436160-C-T.
Other names: c.215C>T (NM_015340.3); c.215C>T, p.Ser72Phe (NM_001368263.1); short protein forms S72F.
Identifiers: ClinVar variation 2904833 (VCV002904833.25), dbSNP rs532725261, ClinGen allele CA2349212.